The following is an entry in ClinVar:

ClinVar aggregate classification (germline): Conflicting classifications of pathogenicity. Review status: criteria provided, conflicting classifications (1 of 4 stars). 6 submissions from 6 submitters: Likely pathogenic (1); Uncertain significance (5). Last evaluated 2025-11-18.

Conditions:
Congenital multicore myopathy with external ophthalmoplegia (CMYO1B). Also called: Minicore myopathy with external ophthalmoplegia; MULTIMINICORE DISEASE WITH EXTERNAL OPHTHALMOPLEGIA; Congenital myopathy 1B, autosomal recessive; Minicore myopathy; MULTICORE MYOPATHY. Identifiers: Orphanet 598, Orphanet 98905, MedGen C1850674, MONDO:0009712, OMIM 255320, HP:0003789.
RYR1-related disorder. Also called: RYR1-related disorders; RYR1-related condition. Identifiers: MedGen CN239331.
Malignant hyperthermia, susceptibility to, 1 (MHS1). Also called: Malignant hyperthermia suceptibility 1; RYR1-Related Malignant Hyperthermia Susceptibility; Anesthesia related hyperthermia; Malignant hyperpyrexia; Fulminating hyperpyrexia; Pharmacogenic myopathy. Identifiers: Orphanet 423, MedGen C2930980, MONDO:0007783, OMIM 145600.
Inborn genetic diseases. Identifiers: MedGen C0950123, MeSH D030342.

Allele frequency attached by ClinVar (database versions not stated): gnomAD exomes below 0.00001 and 0.00001; gnomAD 0.00001.
gnomAD v4.1: 11 of 1,611,832 alleles (0.00068%); highest among the groups gnomAD compares: African/African-American, 0.0067%; no homozygotes.

Submissions (6):

Labcorp Genetics (formerly Invitae), Labcorp
Classification: Uncertain significance for RYR1-related disorder. Last evaluated: 2025-11-18. Review status: criteria provided, single submitter. Criteria: Invitae Variant Classification Sherloc (09022015). Collection method: clinical testing. Allele origin: germline.
Comment: This sequence change replaces arginine, which is basic and polar, with glutamine, which is neutral and polar, at codon 280 of the RYR1 protein (p.Arg280Gln). This variant is not present in population databases (gnomAD no frequency). This missense change has been observed in individual(s) with multiminicore disease (PMID: 35693006). ClinVar contains an entry for this variant (Variation ID: 861815). Invitae Evidence Modeling of protein sequence and biophysical properties (such as structural, functional, and spatial information, amino acid conservation, physicochemical variation, residue mobility, and thermodynamic stability) indicates that this missense variant is expected to disrupt RYR1 protein function with a positive predictive value of 80%. In summary, the available evidence is currently insufficient to determine the role of this variant in disease. Therefore, it has been classified as a Variant of Uncertain Significance.

Ambry Genetics
Classification: Uncertain significance for Inborn genetic diseases. Last evaluated: 2025-10-07. Review status: criteria provided, single submitter. Criteria: Ambry Variant Classification Scheme 2023. Collection method: clinical testing. Allele origin: germline.
Comment: The c.839G>A (p.R280Q) alteration is located in exon 10 (coding exon 10) of the RYR1 gene. This alteration results from a G to A substitution at nucleotide position 839, causing the arginine (R) at amino acid position 280 to be replaced by a glutamine (Q). Based on data from gnomAD, the A allele has an overall frequency of <0.001% (1/249082) total alleles studied. The highest observed frequency was 0.003% (1/34586) of Latino alleles. Based on insufficient or conflicting evidence, the clinical significance of this alteration remains unclear.

Color Diagnostics, LLC DBA Color Health
Classification: Uncertain significance for Malignant hyperthermia, susceptibility to, 1. Last evaluated: 2025-08-26. Review status: criteria provided, single submitter. Criteria: ACMG Guidelines, 2015. Collection method: clinical testing. Allele origin: germline.
Comment: This missense variant replaces arginine with glutamine at codon 280 of the RYR1 protein. Computational prediction suggests that this variant may have deleterious impact on protein structure and function. To our knowledge, functional studies have not been reported for this variant. This variant has not been reported in individuals affected with autosomal dominant malignant hyperthermia in the literature, although it is associated with other phenotype(s) (ClinVar Variation ID: 861815). This variant has been identified in 1/249082 chromosomes in the general population by the Genome Aggregation Database (gnomAD). Due to insufficient evidence, this variant is classified as a Variant of Uncertain Significance for autosomal dominant malignant hyperthermia.

Women's Health and Genetics/Laboratory Corporation of America, LabCorp
Classification: Uncertain significance. Last evaluated: 2025-03-21. Review status: criteria provided, single submitter. Criteria: LabCorp Variant Classification Summary - May 2015. Collection method: clinical testing. Allele origin: germline.
Comment: Variant summary: RYR1 c.839G>A (p.Arg280Gln) results in a conservative amino acid change in the encoded protein sequence. Four of five in-silico tools predict a damaging effect of the variant on protein function. The variant allele was found at a frequency of 4e-06 in 249082 control chromosomes. The available data on variant occurrences in the general population are insufficient to allow any conclusion about variant significance. c.839G>A has been reported in the literature in individuals affected with Congenital Multicore Myopathy With External Ophthalmoplegia. These report(s) do not provide unequivocal conclusions about association of the variant with Congenital Multicore Myopathy With External Ophthalmoplegia. To our knowledge, no experimental evidence demonstrating an impact on protein function has been reported. ClinVar contains an entry for this variant (Variation ID: 861815). Based on the evidence outlined above, the variant was classified as uncertain significance.

All of Us Research Program, National Institutes of Health
Classification: Uncertain significance for Malignant hyperthermia, susceptibility to, 1. Last evaluated: 2024-09-23. Review status: criteria provided, single submitter. Criteria: ACMG Guidelines, 2015. Collection method: clinical testing. Allele origin: germline. Inheritance: Autosomal dominant inheritance. Observed: 2 variant alleles, 2 heterozygotes.
Comment: This missense variant replaces arginine with glutamine at codon 280 of the RYR1 protein. Computational prediction suggests that this variant may have deleterious impact on protein structure and function (internally defined REVEL score threshold >= 0.7, PMID: 27666373). To our knowledge, functional studies have not been reported for this variant. This variant has not been reported in individuals affected with autosomal dominant malignant hyperthermia in the literature, although it is associated with other phenotype(s) (ClinVar Variation ID: 861815). This variant has been identified in 1/249082 chromosomes in the general population by the Genome Aggregation Database (gnomAD). Due to insufficient evidence, this variant is classified as a Variant of Uncertain Significance for autosomal dominant malignant hyperthermia.

This study involves interpretation of variants in research participants for the purpose of population health screening. Participant phenotype was not available at the time of variant classification. Additional details can be found in publication PMID: 35346344, PMCID: PMC8962531

Pediatric Department, Peking University First Hospital
Classification: Likely pathogenic for Congenital multicore myopathy with external ophthalmoplegia. Last evaluated: 2022-02-08. Review status: criteria provided, single submitter. Criteria: ACMG Guidelines, 2015. Collection method: provider interpretation. Allele origin: maternal. Affected: yes.

Literature cited by the submitters: PubMed 35693006 (cited by Labcorp Genetics (formerly Invitae), Labcorp and Women's Health and Genetics/Laboratory Corporation of America, LabCorp).

NM_000540.3(RYR1):c.839G>A (p.Arg280Gln)

Gene: RYR1 (ryanodine receptor 1; plus strand). Cytogenetic location: 19q13.2.
Variant type: single nucleotide variant.
Coding change: c.839G>A on transcript NM_000540.3 (MANE Select); coding-DNA position 839, G replaced by A.
Protein change: p.Arg280Gln; replaces arginine 280 with glutamine.
Molecular consequence: missense variant.
Genome position (GRCh38, 1-based): chr19:38,448,393, G>A. VCF-style: chr19-38448393-G-A. GRCh37 (hg19) VCF-style: chr19-38939033-G-A.
Other names: c.839G>A, p.Arg280Gln (NM_001042723.2); short protein forms R280Q.
Identifiers: ClinVar variation 861815 (VCV000861815.13), dbSNP rs1319877486, ClinGen allele CA405681166.
Genomic context (GRCh38, chr19:38,448,393, plus strand): 5'-CCTTGGCTCTCACCCTCCACAGCTGGAGTGGGAGCCACCTGCGCTGGGGCCAGCCACTCC[G>A]AGTCCGGCATGTCACTACCGGGCAGTACCTAGCGCTCACCGAGGACCAGGGCCTGGTGGT-3'
Protein context (NP_000531.2, residues 270-290): GSHLRWGQPL[Arg280Gln]VRHVTTGQYL